The following is an entry in ClinVar:

ClinVar aggregate classification (germline): Uncertain significance (1 of 4 stars; one submission).

Conditions:
Hereditary spastic paraplegia 30. Identifiers: Orphanet 101010, MedGen C5235139, MONDO:0012476.
Neuropathy, hereditary sensory, type 2C. Also called: Hereditary sensory and autonomic neuropathy type IIC; KIF1A-Related HSAN2 (HSAN2C). Identifiers: Orphanet 970, MedGen C3280168, MONDO:0013634, OMIM 614213.
Intellectual disability, autosomal dominant 9 (NESCAVS). Also called: NESCAV SYNDROME; KIF1A-Related Neurodevelopmental Disorder. Identifiers: Orphanet 662367, MedGen C5393830, MONDO:0013656, OMIM 614255.

gnomAD v4.1: 1 of 1,613,314 alleles (0.000062%); highest among the groups gnomAD compares: Non-Finnish European, 0.000085%; no homozygotes.

Submission:

Labcorp Genetics (formerly Invitae), Labcorp
Classification: Uncertain significance for Hereditary spastic paraplegia 30; Neuropathy, hereditary sensory, type 2C; Intellectual disability, autosomal dominant 9. Last evaluated: 2022-09-14. Review status: criteria provided, single submitter. Criteria: Invitae Variant Classification Sherloc (09022015). Collection method: clinical testing. Allele origin: germline.
Comment: This variant is not present in population databases (gnomAD no frequency). In summary, the available evidence is currently insufficient to determine the role of this variant in disease. Therefore, it has been classified as a Variant of Uncertain Significance. Advanced modeling of protein sequence and biophysical properties (such as structural, functional, and spatial information, amino acid conservation, physicochemical variation, residue mobility, and thermodynamic stability) performed at Invitae indicates that this missense variant is not expected to disrupt KIF1A protein function. This variant has not been reported in the literature in individuals affected with KIF1A-related conditions. This sequence change replaces proline, which is neutral and non-polar, with threonine, which is neutral and polar, at codon 1087 of the KIF1A protein (p.Pro1087Thr).

NM_001244008.2(KIF1A):c.3562C>A (p.Pro1188Thr)

Gene: KIF1A (kinesin family member 1A; minus strand). Cytogenetic location: 2q37.3.
Variant type: single nucleotide variant.
Coding change: c.3562C>A on transcript NM_001244008.2 (MANE Select); coding-DNA position 3562, C replaced by A.
Protein change: p.Pro1188Thr; replaces proline 1188 with threonine.
Molecular consequence: missense variant.
Genome position (GRCh38, 1-based): chr2:240,743,964, G>T on the plus strand (C>A on the coding strand, the complement: KIF1A is on the minus strand). VCF-style: chr2-240743964-G-T. GRCh37 (hg19) VCF-style: chr2-241683381-G-T.
Other names: c.3286C>A, p.Pro1096Thr (NM_001320705.2, NM_001330289.2, NM_001379638.1); c.3361C>A, p.Pro1121Thr (NM_001330290.2, NM_001379634.1, NM_001379635.1 and 1 more transcripts); c.3637C>A, p.Pro1213Thr (NM_001379631.1); c.3511C>A, p.Pro1171Thr (NM_001379632.1); c.3535C>A, p.Pro1179Thr (NM_001379633.1, NM_001379642.1, NM_001379645.1); c.3259C>A, p.Pro1087Thr (NM_001379636.1, NM_001379639.1, NM_001379641.1 and 6 more transcripts); c.3334C>A, p.Pro1112Thr (NM_001379637.1, NM_001379648.1); c.3256C>A, p.Pro1086Thr (NM_001379640.1); short protein forms P1086T, P1087T, P1096T, P1112T, P1121T, P1171T, P1179T, P1188T.
Identifiers: ClinVar variation 1719388 (VCV001719388.6), dbSNP rs1314580146, ClinGen allele CA351316693.
Genomic context (GRCh38, chr2:240,743,964, plus strand): 5'-GGACAGCAGCCCCGAACCCCCCGACCCAGGGCGCTAACCTGAGCACGTCCTTGCAGAGGG[G>T]CGGGAACGGGTGCTGCTGGTAGTGGCCAAAGACCTCGAAAACAATGGGCTGGCTCTTGAT-3'
Protein context (NP_001230937.1, residues 1178-1198): FGHYQQHPFP[Pro1188Thr]LCKDVLSPLR